The following continues an entry in ClinVar:

NM_000277.3(PAH):c.721C>T (p.Arg241Cys)

Gene: PAH. ClinVar aggregate classification (germline): Pathogenic. Pathogenic (1).

Submissions 13 to 21 of 21:

Women's Health and Genetics/Laboratory Corporation of America, LabCorp
Classification: Pathogenic for Phenylketonuria. Last evaluated: 2016-03-25. Review status: criteria provided, single submitter. Criteria: LabCorp Variant Classification Summary - May 2015. Collection method: clinical testing. Allele origin: germline. Not counted in ClinVar's aggregate classification.
Comment: Variant summary: The c.721C>T variant affects a conserved nucleotide, resulting in amino acid change from Arg to Cys located at catalytic domain of the protein. 5/5 in-silico tools predict this variant to be damaging. This variant was found in 17/120962 control chromosomes in the heterozygous state from the large and broad populations of ExAC at a frequency of 0.0001405, which does not exceed the maximal expected frequency of a pathogenic allele (0.0079057) in this gene. This variant is found in several patients with phenylketonuria with concordant recessive genotypes and is reported to be the most common mild pathogenic variant in the Taiwanese population. Functional studies are concordant with impairment of enzymatic activity. Multiple clinical laboratories have classified this variant as pathogenic. Taken together, this variant has been classified as Pathogenic.

Juno Genomics, Hangzhou Juno Genomics, Inc
Classification: Pathogenic for Phenylketonuria. Review status: criteria provided, single submitter. Criteria: ACMG Guidelines, 2015. Collection method: clinical testing. Allele origin: germline. Affected: yes. Not counted in ClinVar's aggregate classification.
Comment: For recessive disorders, detected in trans with a pathogenic variant.;Patient's phenotype or family history is highly specific for a disease with a single genetic etiology.;Well-established in vitro or in vivo functional studies supportive of a damaging effect on the gene or gene product.

PreventionGenetics, part of Exact Sciences
Classification: Pathogenic for PAH-related condition. Last evaluated: 2024-06-12. Review status: no assertion criteria provided. Collection method: clinical testing. Allele origin: germline. Not counted in ClinVar's aggregate classification.
Comment: The PAH c.721C>T variant is predicted to result in the amino acid substitution p.Arg241Cys. This variant has been reported in both the homozygous and compound heterozygous states in affected individuals and has been associated with mild hyperphenylalaninemia and mild phenylketonuria (e.g., Okano et al. 1994, PubMed ID: 7915167; Spaapen et al. 2001. PubMed ID: 11486900; Liang et al. 2014. PubMed ID: 24401910). This is a common pathogenic variant in the PAH gene, accounting for 1.5% of ~16,000 alleles documented in the PAHvdb (Hillert et al. 2020. PubMed ID: 32668217) and it is thought to be a founder variant in the Taiwanese population (Liang et al. 2014. PubMed ID: 24401910). The p.Arg241Cys amino acid change has been reported to decrease the activity of the PAH protein to roughly 25-50% of wild-type (Zurflüh et al. 2008. PubMed ID: 17935162; Liang et al. 2014. PubMed ID: 24401910). This variant is classified as pathogenic by multiple outside laboratories and the ClinGen PAH Variant Curation Expert Panel. This variant is interpreted as pathogenic.

SingHealth Duke-NUS Institute of Precision Medicine
Classification: Pathogenic for Phenylketonuria. Last evaluated: 2017-06-07. Review status: no assertion criteria provided. Collection method: curation. Allele origin: germline. Affected: no. Not counted in ClinVar's aggregate classification.

Counsyl
Classification: Pathogenic for Phenylketonuria. Last evaluated: 2016-09-09. Review status: no assertion criteria provided. Collection method: clinical testing. Allele origin: unknown. Not counted in ClinVar's aggregate classification.

DeBelle Laboratory for Biochemical Genetics, MUHC/MCH RESEARCH INSTITUTE
No classification provided. Review status: no classification provided. Collection method: not provided. Allele origin: not provided. Not counted in ClinVar's aggregate classification.

Genome Diagnostics Laboratory, University Medical Center Utrecht
Classification: Pathogenic. Review status: no assertion criteria provided. Collection method: clinical testing. Allele origin: germline. Affected: yes. Study: VKGL Data-share Consensus. Not counted in ClinVar's aggregate classification.

Joint Genome Diagnostic Labs from Nijmegen and Maastricht, Radboudumc and MUMC+
Classification: Pathogenic. Review status: no assertion criteria provided. Collection method: clinical testing. Allele origin: germline. Affected: yes. Study: VKGL Data-share Consensus. Not counted in ClinVar's aggregate classification.

Medical Laboratory Center, Huzhou Maternal and Child Health Hospital
Classification: Pathogenic for Phenylketonuria. Review status: no assertion criteria provided. Collection method: research. Allele origin: germline. Not counted in ClinVar's aggregate classification.

Literature cited by the submitters: PubMed 7915167 (cited by 4 submitters); PubMed 11142755 (cited by ClinGen PAH Variant Curation Expert Panel and 3billion); PubMed 15319459 (cited by 3 submitters); PubMed 8222245 (cited by 4 submitters); PubMed 11486900 (cited by 3 submitters); PubMed 14681498 (cited by Labcorp Genetics (formerly Invitae), Labcorp); PubMed 18985011 (cited by Labcorp Genetics (formerly Invitae), Labcorp); PubMed 19915519 (cited by Labcorp Genetics (formerly Invitae), Labcorp); PubMed 24368688 (cited by Labcorp Genetics (formerly Invitae), Labcorp); PubMed 26322415 (cited by Labcorp Genetics (formerly Invitae), Labcorp); PubMed 16253218 (cited by Labcorp Genetics (formerly Invitae), Labcorp); PubMed 31720228 (cited by Dasa and Quest Diagnostics Nichols Institute San Juan Capistrano); PubMed 33803550 (cited by Dasa and Quest Diagnostics Nichols Institute San Juan Capistrano); PubMed 34828281 (cited by Dasa and Quest Diagnostics Nichols Institute San Juan Capistrano); PubMed 35690318 (cited by Dasa and Quest Diagnostics Nichols Institute San Juan Capistrano); PubMed 39093767 (cited by Dasa and Quest Diagnostics Nichols Institute San Juan Capistrano); PubMed 39670100 (cited by Dasa and Quest Diagnostics Nichols Institute San Juan Capistrano); PubMed 24705691 (cited by Natera, Inc.); PubMed 30037505 (cited by Quest Diagnostics Nichols Institute San Juan Capistrano); PubMed 35854334 (cited by Quest Diagnostics Nichols Institute San Juan Capistrano); PubMed 24401910 (cited by 3 submitters); PubMed 10484807 (cited by Eurofins Ntd Llc (ga)); PubMed 14722928 (cited by Eurofins Ntd Llc (ga) and Counsyl); PubMed 17935162 (cited by 3 submitters); PubMed 11180595 (cited by Counsyl); PubMed 15503242 (cited by Counsyl); PubMed 8889590 (cited by Counsyl); PubMed 9452062 (cited by Counsyl).